The following is an entry in ClinVar:

ClinVar aggregate classification (germline): Uncertain significance (1 of 4 stars; one submission).

Submission:

Dasa
Classification: Uncertain significance. Last evaluated: 2025-11-19. Review status: criteria provided, single submitter. Criteria: DASA Assertion Criteria. Collection method: clinical testing. Allele origin: germline.
Comment: NM_020975.6(RET):c.1333T>C (p.Ser445Pro) is a missense variant that results in the substitution of serine with proline. This variant is absent from population databases. Computational prediction algorithms are consistent with a benign effect. The currently available literature and clinical evidence are not sufficient to establish a definitive association between this variant and the reported condition. Therefore, this variant is classified as a variant of uncertain significance.

NM_020975.6(RET):c.1333T>C (p.Ser445Pro)

Gene: RET (ret proto-oncogene; plus strand). Cytogenetic location: 10q11.21.
Variant type: single nucleotide variant.
Coding change: c.1333T>C on transcript NM_020975.6 (MANE Select); coding-DNA position 1333, T replaced by C.
Protein change: p.Ser445Pro; replaces serine 445 with proline.
Molecular consequence: missense variant. On other transcripts: intron variant (15).
Genome position (GRCh38, 1-based): chr10:43,111,276, T>C. VCF-style: chr10-43111276-T-C. GRCh37 (hg19) VCF-style: chr10-43606724-T-C.
Other names: c.571T>C, p.Ser191Pro (NM_001355216.2); c.1333T>C, p.Ser445Pro (NM_001406743.1, NM_001406744.1, NM_001406759.1 and 4 more transcripts); c.1204T>C, p.Ser402Pro (NM_001406761.1, NM_001406762.1, NM_001406764.1 and 1 more transcripts); c.1045T>C, p.Ser349Pro (NM_001406766.1, NM_001406767.1, NM_001406770.1); c.937T>C, p.Ser313Pro (NM_001406769.1, NM_001406772.1); c.895T>C, p.Ser299Pro (NM_001406771.1, NM_001406773.1); c.808T>C, p.Ser270Pro (NM_001406774.1); c.607T>C, p.Ser203Pro (NM_001406775.1, NM_001406776.1, NM_001406777.1 and 1 more transcripts); and 5 more; short protein forms S115P, S191P, S203P, S270P, S299P, S313P, S349P, S402P.
Identifiers: ClinVar variation 4882568 (VCV004882568.2).